The following is an entry in ClinVar:

ClinVar aggregate classification (germline): Likely benign (1 of 4 stars; one submission).

Allele frequency attached by ClinVar (database versions not stated): 1000 Genomes Project 30x 0.01515; gnomAD 0.01516 and 0.01626; 1000 Genomes Project 0.01518; TOPMed 0.01678.
gnomAD v4.1: 2,278 of 152,344 alleles (1.5%); highest among the groups gnomAD compares: African/African-American, 5%; 47 homozygotes.

Submission:

GeneDx
Classification: Likely benign. Last evaluated: 2022-01-11. Review status: criteria provided, single submitter. Criteria: GeneDx Variant Classification Process June 2021. Collection method: clinical testing. Allele origin: germline. Affected: yes.
Comment: See Variant Classification Assertion Criteria.

NM_145649.5(GCNT2):c.926-193A>G

Gene: GCNT2 (glucosaminyl (N-acetyl) transferase 2 (I blood group); plus strand). Cytogenetic location: 6p24.2.
Variant type: single nucleotide variant.
Coding change: c.926-193A>G on transcript NM_145649.5 (MANE Select); 193 bases into the intron before coding-DNA position 926, A replaced by G.
Molecular consequence: intron variant.
Genome position (GRCh38, 1-based): chr6:10,621,158, A>G. VCF-style: chr6-10621158-A-G. GRCh37 (hg19) VCF-style: chr6-10621391-A-G.
Other names: c.926-193A>G (NM_001374747.1, NM_145655.4); c.920-193A>G (NM_001491.3).
Identifiers: ClinVar variation 1697056 (VCV001697056.2), dbSNP rs9295607, ClinGen allele CA134100379.